The following is an entry in ClinVar:

ClinVar aggregate classification (germline): Pathogenic (1 of 4 stars; one submission).

Conditions:
Cohen syndrome (COH1). Also called: Cutis verticis gyrata, retinitis pigmentosa, and sensorineural deafness; PEPPER SYNDROME. Identifiers: Orphanet 193, MedGen C0265223, MONDO:0008999, OMIM 216550.

Submission:

Labcorp Genetics (formerly Invitae), Labcorp
Classification: Pathogenic for Cohen syndrome. Last evaluated: 2023-08-17. Review status: criteria provided, single submitter. Criteria: Invitae Variant Classification Sherloc (09022015). Collection method: clinical testing. Allele origin: germline.
Comment: For these reasons, this variant has been classified as Pathogenic. This variant disrupts a region of the VPS13B protein in which other variant(s) (p.Lys3991Leufs*23) have been determined to be pathogenic (Invitae). This suggests that this is a clinically significant region of the protein, and that variants that disrupt it are likely to be disease-causing. This variant has not been reported in the literature in individuals affected with VPS13B-related conditions. This variant is not present in population databases (gnomAD no frequency). This sequence change creates a premature translational stop signal (p.Ser3964Profs*25) in the VPS13B gene. While this is not anticipated to result in nonsense mediated decay, it is expected to disrupt the last 59 amino acid(s) of the VPS13B protein.

NM_152564.5(VPS13B):c.11815_11822del (p.Ser3939fs)

Gene: VPS13B (vacuolar protein sorting 13 homolog B; plus strand). Cytogenetic location: 8q22.2.
Variant type: Deletion.
Coding change: c.11815_11822del on transcript NM_152564.5 (MANE Select); coding-DNA positions 11815 to 11822, 8 bases deleted (TCTTGTCA; older notation c.11815_11822delTCTTGTCA).
Protein change: p.Ser3939fs; shifts the reading frame from serine 3939.
Molecular consequence: frameshift variant.
Genome position (GRCh38, 1-based): chr8:99,875,487-99,875,494, TCTTGTCA deleted; deleting any 8 consecutive bases within chr8:99,875,485-99,875,494 gives the same sequence; the c. name uses the placement nearest the transcript's 3' end. VCF-style (leftmost placement, unchanged base first): chr8-99875484-ACATCTTGT-A. GRCh37 (hg19) VCF-style: chr8-100887712-ACATCTTGT-A.
Other names: c.11890_11897del, p.Ser3964fs (NM_017890.5); short protein forms S3939fs, S3964fs.
Identifiers: ClinVar variation 2868710 (VCV002868710.3), dbSNP rs2492411482, ClinGen allele CA2739268951.
Genomic context (GRCh38, chr8:99,875,484, plus strand): 5'-GGAGTCCGAGAGAGACTGTCAGAGCAACAGTACAACAGACTGGTGGACTACATCACAAAG[ACATCTTGT>A]CACCTGGCCCCCAGCTGTTCTTCCATGCAAATACCATGCCCTGTGGTGGCTGCAGAACCT-3'